The following is an entry in ClinVar:

NM_058195.4(CDKN2A):c.152G>C (p.Arg51Thr)

Gene: CDKN2A (cyclin dependent kinase inhibitor 2A; minus strand). Cytogenetic location: 9p21.3.
Variant type: single nucleotide variant.
Coding change: c.152G>C on transcript NM_058195.4 (MANE Plus Clinical); coding-DNA position 152, G replaced by C.
Protein change: p.Arg51Thr; replaces arginine 51 with threonine.
Molecular consequence: missense variant. On other transcripts: intron variant (1).
Genome position (GRCh38, 1-based): chr9:21,994,180, C>G on the plus strand (G>C on the coding strand, the complement: CDKN2A is on the minus strand). VCF-style: chr9-21994180-C-G. GRCh37 (hg19) VCF-style: chr9-21994179-C-G.
Other names: c.-4+641G>C (NM_001363763.2); short protein forms R51T.
Identifiers: ClinVar variation 463489 (VCV000463489.15), dbSNP rs1014358179, ClinGen allele CA190745873.
Genomic context (GRCh38, chr9:21,994,180, plus strand): 5'-TTTCGAGGGCCTTTCCTACCTGGTCTTCTAGGAAGCGGCTGCTGCCCTAGACGCTGGCTC[C>G]TCAGTAGCATCAGCACGAGGGCCACAGCGGCGGGCGCCCCTGGCGCTGCCCACTCCCCCG-3'
Protein context (NP_478102.2, residues 41-61): AAVALVLMLL[Arg51Thr]SQRLGQQPLP

ClinVar aggregate classification (germline): Conflicting classifications of pathogenicity. Review status: criteria provided, conflicting classifications (1 of 4 stars). 3 submissions from 3 submitters: Uncertain significance (2); Likely benign (1). Last evaluated 2024-12-06.

Conditions:
Familial melanoma. Also called: Hereditary melanoma; Hereditary cutaneous melanoma. Identifiers: Orphanet 618, MedGen C1512419, MONDO:0018961.
Hereditary cancer-predisposing syndrome. Also called: Neoplastic Syndromes, Hereditary; Hereditary Cancer Syndrome; Tumor predisposition; Hereditary neoplastic syndrome. Identifiers: Orphanet 140162, MedGen C0027672, MeSH D009386, MONDO:0015356.

Allele frequency attached by ClinVar (database versions not stated): gnomAD 0.00003; gnomAD exomes below 0.00001; TOPMed 0.00001.
gnomAD v4.1: 7 of 1,605,140 alleles (0.00044%); highest among the groups gnomAD compares: African/African-American, 0.0093%; no homozygotes.

Submissions (3):

Ambry Genetics
Classification: Uncertain significance for Hereditary cancer-predisposing syndrome. Last evaluated: 2024-12-06. Review status: criteria provided, single submitter. Criteria: Ambry Variant Classification Scheme 2023. Collection method: clinical testing. Allele origin: germline.
Comment: The p.R51T variant (also known as c.152G>C), located in coding exon 1 of the CDKN2A (p14ARF) gene, results from a G to C substitution at nucleotide position 152. The arginine at codon 51 is replaced by threonine, an amino acid with similar properties. This amino acid position is highly conserved in available vertebrate species. In addition, this alteration is predicted to be deleterious by in silico analysis. Based on the available evidence, the clinical significance of this variant remains unclear.

Labcorp Genetics (formerly Invitae), Labcorp
Classification: Likely benign for Familial melanoma. Last evaluated: 2022-10-28. Review status: criteria provided, single submitter. Criteria: Invitae Variant Classification Sherloc (09022015). Collection method: clinical testing. Allele origin: germline.

Quest Diagnostics Nichols Institute San Juan Capistrano
Classification: Uncertain significance. Last evaluated: 2021-08-04. Review status: criteria provided, single submitter. Criteria: Quest Diagnostics criteria. Collection method: clinical testing. Allele origin: unknown.